The following is an entry in ClinVar:

ClinVar aggregate classification (germline): Uncertain significance (1 of 4 stars; one submission).

Conditions:
Myofibrillar myopathy 5. Also called: Filaminopathy (type); FILAMINOPATHY, AUTOSOMAL DOMINANT. Identifiers: Orphanet 171445, MedGen C1836050, MONDO:0012289, OMIM 609524.
Distal myopathy with posterior leg and anterior hand involvement. Also called: WILLIAMS DISTAL MYOPATHY. Identifiers: Orphanet 63273, MedGen C3279722, MONDO:0013550, OMIM 614065.
Hypertrophic cardiomyopathy 26. Also called: Cardiomyopathy, familial hypertrophic, 26. Identifiers: Orphanet 75249, MedGen C4310749, MONDO:0014883, OMIM 617047.

gnomAD v4.1: 3 of 1,612,784 alleles (0.00019%); highest among the groups gnomAD compares: Admixed American, 0.005%; no homozygotes.

Submission:

Labcorp Genetics (formerly Invitae), Labcorp
Classification: Uncertain significance for Distal myopathy with posterior leg and anterior hand involvement; Myofibrillar myopathy 5; Hypertrophic cardiomyopathy 26. Last evaluated: 2025-09-16. Review status: criteria provided, single submitter. Criteria: Invitae Variant Classification Sherloc (09022015). Collection method: clinical testing. Allele origin: germline.
Comment: This sequence change replaces proline, which is neutral and non-polar, with threonine, which is neutral and polar, at codon 458 of the FLNC protein (p.Pro458Thr). The frequency data for this variant in the population databases is considered unreliable, as metrics indicate poor data quality at this position in the gnomAD database. This variant has not been reported in the literature in individuals affected with FLNC-related conditions. ClinVar contains an entry for this variant (Variation ID: 1495366). Invitae Evidence Modeling of protein sequence and biophysical properties (such as structural, functional, and spatial information, amino acid conservation, physicochemical variation, residue mobility, and thermodynamic stability) has been performed for this missense variant. However, the output from this modeling did not meet the statistical confidence thresholds required to predict the impact of this variant on FLNC protein function. In summary, the available evidence is currently insufficient to determine the role of this variant in disease. Therefore, it has been classified as a Variant of Uncertain Significance.

NM_001458.5(FLNC):c.1372C>A (p.Pro458Thr)

Gene: FLNC (filamin C; plus strand). Cytogenetic location: 7q32.1.
Variant type: single nucleotide variant.
Coding change: c.1372C>A on transcript NM_001458.5 (MANE Select); coding-DNA position 1372, C replaced by A.
Protein change: p.Pro458Thr; replaces proline 458 with threonine.
Molecular consequence: missense variant.
Genome position (GRCh38, 1-based): chr7:128,838,764, C>A. VCF-style: chr7-128838764-C-A. GRCh37 (hg19) VCF-style: chr7-128478818-C-A.
Other names: c.1372C>A, p.Pro458Thr (NM_001127487.2); short protein forms P458T.
Identifiers: ClinVar variation 1495366 (VCV001495366.8), dbSNP rs369747694, ClinGen allele CA369225126.